The following is an entry in ClinVar:

ClinVar aggregate classification (germline): Uncertain significance (1 of 4 stars; one submission).

Conditions:
Gastrointestinal stromal tumor. Also called: Gastrointestinal stroma tumor; Gastrointestinal stromal tumor, somatic. Identifiers: Orphanet 44890, MedGen C0238198, MeSH D046152, MONDO:0011719, OMIM 606764, HP:0100723.

Allele frequency attached by ClinVar (database versions not stated): gnomAD exomes below 0.00001.

Submission:

Labcorp Genetics (formerly Invitae), Labcorp
Classification: Uncertain significance for Gastrointestinal stromal tumor. Last evaluated: 2025-09-10. Review status: criteria provided, single submitter. Criteria: Invitae Variant Classification Sherloc (09022015). Collection method: clinical testing. Allele origin: germline.
Comment: This sequence change replaces valine, which is neutral and non-polar, with phenylalanine, which is neutral and non-polar, at codon 546 of the PDGFRA protein (p.Val546Phe). This variant is not present in population databases (gnomAD no frequency). This variant has not been reported in the literature in individuals affected with PDGFRA-related conditions. ClinVar contains an entry for this variant (Variation ID: 1391293). Invitae Evidence Modeling of protein sequence and biophysical properties (such as structural, functional, and spatial information, amino acid conservation, physicochemical variation, residue mobility, and thermodynamic stability) indicates that this missense variant is not expected to disrupt PDGFRA protein function with a negative predictive value of 80%. Algorithms developed to predict the effect of sequence changes on RNA splicing suggest that this variant may disrupt the consensus splice site. In summary, the available evidence is currently insufficient to determine the role of this variant in disease. Therefore, it has been classified as a Variant of Uncertain Significance.

NM_006206.6(PDGFRA):c.1636G>T (p.Val546Phe)

Gene: PDGFRA (platelet derived growth factor receptor alpha; plus strand). Cytogenetic location: 4q12.
Variant type: single nucleotide variant.
Coding change: c.1636G>T on transcript NM_006206.6 (MANE Select); coding-DNA position 1636, G replaced by T.
Protein change: p.Val546Phe; replaces valine 546 with phenylalanine.
Molecular consequence: missense variant.
Genome position (GRCh38, 1-based): chr4:54,274,608, G>T. VCF-style: chr4-54274608-G-T. GRCh37 (hg19) VCF-style: chr4-55140775-G-T.
Other names: c.1636G>T, p.Val546Phe (NM_001347827.2, NM_001347829.2); c.1711G>T, p.Val571Phe (NM_001347828.2); c.1675G>T, p.Val559Phe (NM_001347830.2); short protein forms V546F, V559F, V571F.
Identifiers: ClinVar variation 1391293 (VCV001391293.8), dbSNP rs1233146093, ClinGen allele CA356892968.